The following is an entry in ClinVar:

ClinVar aggregate classification (germline): Uncertain significance. Review status: criteria provided, multiple submitters, no conflicts (2 of 4 stars). 3 submissions from 3 submitters: Uncertain significance (3). Last evaluated 2025-10-13.

Allele frequency attached by ClinVar (database versions not stated): gnomAD exomes 0.00007 and 0.00008; ExAC 0.00009; ESP Exome Variant Server 0.00015; gnomAD 0.00018 and 0.00023; TOPMed 0.00026; 1000 Genomes Project 30x 0.00031; 1000 Genomes Project 0.00040.
gnomAD v4.1: 133 of 1,611,824 alleles (0.0083%); highest among the groups gnomAD compares: African/African-American, 0.061%; no homozygotes.

Submissions (3):

Labcorp Genetics (formerly Invitae), Labcorp
Classification: Uncertain significance. Last evaluated: 2025-10-13. Review status: criteria provided, single submitter. Criteria: Invitae Variant Classification Sherloc (09022015). Collection method: clinical testing. Allele origin: germline.
Comment: This sequence change replaces threonine, which is neutral and polar, with methionine, which is neutral and non-polar, at codon 321 of the BACH2 protein (p.Thr321Met). This variant is present in population databases (rs201044891, gnomAD 0.06%), and has an allele count higher than expected for a pathogenic variant. This variant has not been reported in the literature in individuals affected with BACH2-related conditions. ClinVar contains an entry for this variant (Variation ID: 1447432). An algorithm developed to predict the effect of missense changes on protein structure and function (PolyPhen-2) suggests that this variant is likely to be tolerated. In summary, the available evidence is currently insufficient to determine the role of this variant in disease. Therefore, it has been classified as a Variant of Uncertain Significance.

Ambry Genetics
Classification: Uncertain significance. Last evaluated: 2024-06-11. Review status: criteria provided, single submitter. Criteria: Ambry Variant Classification Scheme 2023. Collection method: clinical testing. Allele origin: germline.

Breakthrough Genomics
Classification: Uncertain significance. Review status: criteria provided, single submitter. Criteria: ACMG Guidelines, 2015. Collection method: not provided. Allele origin: germline. Inheritance: Autosomal dominant inheritance. Affected: yes.

NM_021813.4(BACH2):c.962C>T (p.Thr321Met)

Gene: BACH2 (BACH transcriptional regulator 2; minus strand). Cytogenetic location: 6q15.
Variant type: single nucleotide variant.
Coding change: c.962C>T on transcript NM_021813.4 (MANE Select); coding-DNA position 962, C replaced by T.
Protein change: p.Thr321Met; replaces threonine 321 with methionine.
Molecular consequence: missense variant.
Genome position (GRCh38, 1-based): chr6:89,951,144, G>A on the plus strand (C>T on the coding strand, the complement: BACH2 is on the minus strand). VCF-style: chr6-89951144-G-A. GRCh37 (hg19) VCF-style: chr6-90660863-G-A.
Other names: c.962C>T, p.Thr321Met (NM_001170794.2); c.962C>T (NM_021813.2); short protein forms T321M.
Identifiers: ClinVar variation 1447432 (VCV001447432.8), dbSNP rs201044891, ClinGen allele CA3928072.